The following is an entry in ClinVar:

ClinVar aggregate classification (germline): Conflicting classifications of pathogenicity. Review status: criteria provided, conflicting classifications (1 of 4 stars). 5 submissions from 5 submitters: Uncertain significance (1); Likely benign (3). 1 of the submissions does not count toward it. Last evaluated 2025-12-23.

Conditions:
SYNE1-related disorder. Also called: SYNE1-related disease; SYNE1-related condition; SYNE1-related disorders.
Emery-Dreifuss muscular dystrophy 4, autosomal dominant (EDMD4). Also called: EMERY-DREIFUSS MUSCULAR DYSTROPHY 4 WITH VARIABLE FEATURES. Identifiers: Orphanet 261, MedGen C2751807, MONDO:0013071, OMIM 612998.
Autosomal recessive ataxia, Beauce type. Also called: SYNE1 Deficiency; SYNE1-Related Autosomal Recessive Cerebellar Ataxia; ATAXIA, RECESSIVE, OF BEAUCE; Spinocerebellar ataxia, autosomal recessive 8. Identifiers: Orphanet 88644, MedGen C1853116, MONDO:0012549, OMIM 610743.

Allele frequency attached by ClinVar (database versions not stated): TOPMed 0.00005; gnomAD 0.00006; gnomAD exomes 0.00006; ESP Exome Variant Server 0.00008; ExAC 0.00011.
gnomAD v4.1: 89 of 1,611,268 alleles (0.0055%); highest among the groups gnomAD compares: Non-Finnish European, 0.0072%; no homozygotes.

Submissions (6):

Labcorp Genetics (formerly Invitae), Labcorp
Classification: Likely benign for Emery-Dreifuss muscular dystrophy 4, autosomal dominant; Autosomal recessive ataxia, Beauce type. Last evaluated: 2025-12-23. Review status: criteria provided, single submitter. Criteria: Invitae Variant Classification Sherloc (09022015). Collection method: clinical testing. Allele origin: germline.

CeGaT Center for Human Genetics Tuebingen
Classification: Likely benign. Last evaluated: 2024-10-01. Review status: criteria provided, single submitter. Criteria: CeGaT Center For Human Genetics Tuebingen Variant Classification Criteria Version 2. Collection method: clinical testing. Allele origin: germline. Affected: yes. Observed: 3 variant alleles.
Comment: SYNE1: BP4

Blueprint Genetics
Classification: Likely benign. Last evaluated: 2024-09-03. Review status: criteria provided, single submitter. Criteria: ACMG Guidelines, 2015. Collection method: clinical testing. Allele origin: germline.

Eurofins Ntd Llc (ga)
Classification: Uncertain significance. Last evaluated: 2016-03-01. Review status: criteria provided, single submitter. Criteria: EGL Classification Definitions 2015. Collection method: clinical testing. Allele origin: germline. Observed: 2 variant alleles, 2 heterozygotes.

PreventionGenetics, part of Exact Sciences
Classification: Likely benign for SYNE1-related condition. Last evaluated: 2019-06-26. Review status: no assertion criteria provided. Collection method: clinical testing. Allele origin: germline. Not counted in ClinVar's aggregate classification.
Comment: This variant is classified as likely benign based on ACMG/AMP sequence variant interpretation guidelines (Richards et al. 2015 PMID: 25741868, with internal and published modifications).

Dr. Peter K. Rogan Lab, Western University
No classification provided (evidence only). Condition: Colon adenocarcinoma. Review status: no classification provided. Collection method: in vitro. Allele origin: not applicable. Functional consequence: retained intron. Not counted in ClinVar's aggregate classification.

NM_182961.4(SYNE1):c.12798T>A (p.Ser4266=)

Gene: SYNE1 (spectrin repeat containing nuclear envelope protein 1; minus strand). Cytogenetic location: 6q25.2.
Variant type: single nucleotide variant.
Coding change: c.12798T>A on transcript NM_182961.4 (MANE Select); coding-DNA position 12798, T replaced by A.
Protein change: p.Ser4266=; no amino-acid change (serine 4266 retained).
Molecular consequence: synonymous variant.
Genome position (GRCh38, 1-based): chr6:152,331,887, A>T on the plus strand (T>A on the coding strand, the complement: SYNE1 is on the minus strand). VCF-style: chr6-152331887-A-T. GRCh37 (hg19) VCF-style: chr6-152653022-A-T.
Other names: c.12585T>A, p.Ser4195= (NM_033071.5).
Identifiers: ClinVar variation 286485 (VCV000286485.40), dbSNP rs373438870, ClinGen allele CA4056303.